The following is an entry in ClinVar:

NM_015330.6(SPECC1L):c.2068A>G (p.Ile690Val)

Genes: SPECC1L (sperm antigen with calponin homology and coiled-coil domains 1 like; plus strand), SPECC1L-ADORA2A (SPECC1L-ADORA2A readthrough (NMD candidate); plus strand). Cytogenetic location: 22q11.23.
Variant type: single nucleotide variant.
Coding change: c.2068A>G on transcript NM_015330.6 (MANE Select); coding-DNA position 2068, A replaced by G.
Protein change: p.Ile690Val; replaces isoleucine 690 with valine.
Molecular consequence: missense variant. On other transcripts: non-coding transcript variant (1).
Genome position (GRCh38, 1-based): chr22:24,324,349, A>G. VCF-style: chr22-24324349-A-G. GRCh37 (hg19) VCF-style: chr22-24720317-A-G.
Other names: c.2068A>G, p.Ile690Val (NM_001145468.4, NM_001254732.3); c.2068A>G (NM_015330.2); short protein forms I690V.
Identifiers: ClinVar variation 3388938 (VCV003388938.14).

ClinVar aggregate classification (germline): Conflicting classifications of pathogenicity. Review status: criteria provided, conflicting classifications (1 of 4 stars). 2 submissions from 2 submitters: Uncertain significance (1); Likely benign (1). Last evaluated 2025-04-20.

Conditions:
Inborn genetic diseases. Identifiers: MedGen C0950123, MeSH D030342.

gnomAD v4.1: 2 of 1,614,180 alleles (0.00012%); highest among the groups gnomAD compares: Admixed American, 0.0017%; no homozygotes.

Submissions (2):

Ambry Genetics
Classification: Uncertain significance for Inborn genetic diseases. Last evaluated: 2025-04-20. Review status: criteria provided, single submitter. Criteria: Ambry Variant Classification Scheme 2023. Collection method: clinical testing. Allele origin: germline.

CeGaT Center for Human Genetics Tuebingen
Classification: Likely benign. Last evaluated: 2024-10-01. Review status: criteria provided, single submitter. Criteria: CeGaT Center For Human Genetics Tuebingen Variant Classification Criteria Version 2. Collection method: clinical testing. Allele origin: germline. Affected: yes. Observed: 1 variant allele.
Comment: SPECC1L: BS2